The following is an entry in ClinVar:

ClinVar aggregate classification (germline): Likely benign. Review status: criteria provided, multiple submitters, no conflicts (2 of 4 stars). 2 submissions from 2 submitters: Likely benign (2). Last evaluated 2026-05-01.

Allele frequency attached by ClinVar (database versions not stated): gnomAD exomes below 0.00001 and 0.00001; gnomAD 0.00001; TOPMed 0.00001.
gnomAD v4.1: 11 of 1,602,872 alleles (0.00069%); highest among the groups gnomAD compares: Non-Finnish European, 0.00093%; no homozygotes.

Submissions (2):

CeGaT Center for Human Genetics Tuebingen
Classification: Likely benign. Last evaluated: 2026-05-01. Review status: criteria provided, single submitter. Criteria: CeGaT Center For Human Genetics Tuebingen Variant Classification Criteria Version 2. Collection method: clinical testing. Allele origin: germline. Affected: yes. Observed: 1 variant allele.
Comment: ESCO2: BP4, BP7

Labcorp Genetics (formerly Invitae), Labcorp
Classification: Likely benign. Last evaluated: 2023-08-17. Review status: criteria provided, single submitter. Criteria: Invitae Variant Classification Sherloc (09022015). Collection method: clinical testing. Allele origin: germline.

NM_001017420.3(ESCO2):c.783A>G (p.Pro261=)

Gene: ESCO2 (establishment of sister chromatid cohesion N-acetyltransferase 2; plus strand). Cytogenetic location: 8p21.1.
Variant type: single nucleotide variant.
Coding change: c.783A>G on transcript NM_001017420.3 (MANE Select); coding-DNA position 783, A replaced by G.
Protein change: p.Pro261=; no amino-acid change (proline 261 retained).
Molecular consequence: synonymous variant.
Genome position (GRCh38, 1-based): chr8:27,777,091, A>G. VCF-style: chr8-27777091-A-G. GRCh37 (hg19) VCF-style: chr8-27634608-A-G.
Identifiers: ClinVar variation 1082280 (VCV001082280.11), dbSNP rs1297703834, ClinGen allele CA460055675.